The following is an entry in ClinVar:

ClinVar aggregate classification (germline): Pathogenic (1 of 4 stars; one submission).

Conditions:
Nemaline myopathy 2 (NEM2). Also called: Nemaline myopathy 2, autosomal recessive. Identifiers: MedGen C1850569, MONDO:0009725, OMIM 256030.

Submission:

Labcorp Genetics (formerly Invitae), Labcorp
Classification: Pathogenic for Nemaline myopathy 2. Last evaluated: 2021-08-07. Review status: criteria provided, single submitter. Criteria: Invitae Variant Classification Sherloc (09022015). Collection method: clinical testing. Allele origin: germline.
Comment: This sequence change creates a premature translational stop signal (p.Leu386Hisfs*14) in the NEB gene. It is expected to result in an absent or disrupted protein product. Loss-of-function variants in NEB are known to be pathogenic (PMID: 25205138). This variant is not present in population databases (ExAC no frequency). This variant has not been reported in the literature in individuals affected with NEB-related conditions. For these reasons, this variant has been classified as Pathogenic.

Literature cited by the submitters: PubMed 25205138.

NM_001164508.2(NEB):c.1157del (p.Leu386fs)

Gene: NEB (nebulin; minus strand). Cytogenetic location: 2q23.3.
Variant type: Deletion.
Coding change: c.1157del on transcript NM_001164508.2 (MANE Select); coding-DNA position 1157, one base deleted (T; older notation c.1157delT).
Protein change: p.Leu386fs; shifts the reading frame from leucine 386.
Molecular consequence: frameshift variant.
Genome position (GRCh38, 1-based): chr2:151,697,644, A deleted on the plus strand (T on the coding strand, the reverse complement: NEB is on the minus strand). VCF-style (leftmost placement, unchanged base first): chr2-151697643-TA-T. GRCh37 (hg19) VCF-style: chr2-152554157-TA-T.
Other names: c.1157del, p.Leu386fs (NM_001164507.2, NM_001271208.2, NM_004543.5); short protein forms L386fs.
Identifiers: ClinVar variation 1356979 (VCV001356979.6), dbSNP rs2149368742, ClinGen allele CA2573133268.
Genomic context (GRCh38, chr2:151,697,643, plus strand): 5'-TTTGGGGGTCTCGCAGTAATTTATGCTCTTTGCTTTTGTCTTTTCATAGTTTTCCTTGTA[TA>T]GTTTCTGTCAAAGAAAAAAAATTCAGTTAAAGTAGATTCCTGTCACTCCCACGCTGATTA-3'